The following is an entry in ClinVar:

NM_001372.4(DNAH9):c.1797G>A (p.Pro599=)

Gene: DNAH9 (dynein axonemal heavy chain 9; plus strand). Cytogenetic location: 17p12.
Variant type: single nucleotide variant.
Coding change: c.1797G>A on transcript NM_001372.4 (MANE Select); coding-DNA position 1797, G replaced by A.
Protein change: p.Pro599=; no amino-acid change (proline 599 retained).
Molecular consequence: synonymous variant.
Genome position (GRCh38, 1-based): chr17:11,640,280, G>A. VCF-style: chr17-11640280-G-A. GRCh37 (hg19) VCF-style: chr17-11543597-G-A.
Identifiers: ClinVar variation 3029393 (VCV003029393.4), dbSNP rs201962543, ClinGen allele CA8394986.
Genomic context (GRCh38, chr17:11,640,280, plus strand): 5'-GGACTGAGGTGCTCTAGACTCATTTCGGTCTGTCTGTGCCATGTCTCCAGGGTTCTCCCC[G>A]GTGCACAAGAACATGCCCACCGTGGCTGGCGGCCTCCGCTGGGCACAGGAGCTGAGGCAG-3'
Protein context (NP_001363.2, residues 589-609): VQEEAELGFS[Pro599=]VHKNMPTVAG

ClinVar aggregate classification (germline): Likely benign. Review status: criteria provided, multiple submitters, no conflicts (2 of 4 stars). 3 submissions from 3 submitters: Likely benign (2). 1 of the submissions does not count toward it. Last evaluated 2025-04-07.

Conditions:
DNAH9-related disorder. Also called: DNAH9-related condition.

Allele frequency attached by ClinVar (database versions not stated): gnomAD 0.00005; TOPMed 0.00006; ESP Exome Variant Server 0.00008; ExAC 0.00014; 1000 Genomes Project 30x 0.00016; 1000 Genomes Project 0.00020.
gnomAD v4.1: 39 of 1,612,026 alleles (0.0024%); highest among the groups gnomAD compares: East Asian, 0.049%; no homozygotes.

Submissions (3):

Labcorp Genetics (formerly Invitae), Labcorp
Classification: Likely benign. Last evaluated: 2025-04-07. Review status: criteria provided, single submitter. Criteria: Invitae Variant Classification Sherloc (09022015). Collection method: clinical testing. Allele origin: germline.

Blueprint Genetics
Classification: Likely benign. Last evaluated: 2023-05-15. Review status: criteria provided, single submitter. Criteria: ACMG Guidelines, 2015. Collection method: clinical testing. Allele origin: germline.

PreventionGenetics, part of Exact Sciences
Classification: Likely benign for DNAH9-related condition. Last evaluated: 2021-09-22. Review status: no assertion criteria provided. Collection method: clinical testing. Allele origin: germline. Not counted in ClinVar's aggregate classification.
Comment: This variant is classified as likely benign based on ACMG/AMP sequence variant interpretation guidelines (Richards et al. 2015 PMID: 25741868, with internal and published modifications).